The following is an entry in ClinVar:

NM_130468.4(CHST14):c.32C>T (p.Ala11Val)

Genes: CHST14 (carbohydrate sulfotransferase 14; plus strand), LOC130056851 (ATAC-STARR-seq lymphoblastoid silent region 6336; plus strand). Cytogenetic location: 15q15.1.
Variant type: single nucleotide variant.
Coding change: c.32C>T on transcript NM_130468.4 (MANE Select); coding-DNA position 32, C replaced by T.
Protein change: p.Ala11Val; replaces alanine 11 with valine.
Molecular consequence: missense variant.
Genome position (GRCh38, 1-based): chr15:40,471,245, C>T. VCF-style: chr15-40471245-C-T. GRCh37 (hg19) VCF-style: chr15-40763444-C-T.
Other names: c.32C>T (NM_130468.3); short protein forms A11V.
Identifiers: ClinVar variation 1045341 (VCV001045341.12), dbSNP rs1030815676, ClinGen allele CA268822060.

ClinVar aggregate classification (germline): Uncertain significance. Review status: criteria provided, multiple submitters, no conflicts (2 of 4 stars). 4 submissions from 4 submitters: Uncertain significance (4). Last evaluated 2025-04-16.

Conditions:
Ehlers-Danlos syndrome, musculocontractural type (EDSMC). Also called: Adducted thumb, clubfoot, progressive joint and skin laxity syndrome; DUNDAR SYNDROME; ADDUCTED THUMB-CLUBFOOT SYNDROME; ARTHROGRYPOSIS, DISTAL, WITH PECULIAR FACIES AND HYDRONEPHROSIS. Identifiers: Orphanet 2953, MedGen C1866294, MONDO:0011142.
Cardiovascular phenotype. Identifiers: MedGen CN230736.

Allele frequency attached by ClinVar (database versions not stated): gnomAD exomes 0.00002; TOPMed 0.00007; gnomAD 0.00009 and 0.00010.
gnomAD v4.1: 37 of 1,447,882 alleles (0.0026%); highest among the groups gnomAD compares: African/African-American, 0.016%; no homozygotes.

Submissions (4):

Women's Health and Genetics/Laboratory Corporation of America, LabCorp
Classification: Uncertain significance. Last evaluated: 2025-04-16. Review status: criteria provided, single submitter. Criteria: LabCorp Variant Classification Summary - May 2015. Collection method: clinical testing. Allele origin: germline.
Comment: Variant summary: CHST14 c.32C>T (p.Ala11Val) results in a non-conservative amino acid change in the encoded protein sequence. Three of five in-silico tools predict a benign effect of the variant on protein function. The variant allele was found at a frequency of 1.7e-05 in 58792 control chromosomes. The available data on variant occurrences in the general population are insufficient to allow any conclusion about variant significance. To our knowledge, no occurrence of c.32C>T in individuals affected with Ehlers-Danlos syndrome, musculocontractural type and no experimental evidence demonstrating its impact on protein function have been reported. ClinVar contains an entry for this variant (Variation ID: 1045341). Based on the evidence outlined above, the variant was classified as uncertain significance.

Labcorp Genetics (formerly Invitae), Labcorp
Classification: Uncertain significance for Ehlers-Danlos syndrome, musculocontractural type. Last evaluated: 2024-12-16. Review status: criteria provided, single submitter. Criteria: Invitae Variant Classification Sherloc (09022015). Collection method: clinical testing. Allele origin: germline.
Comment: This sequence change replaces alanine, which is neutral and non-polar, with valine, which is neutral and non-polar, at codon 11 of the CHST14 protein (p.Ala11Val). The frequency data for this variant in the population databases is considered unreliable, as metrics indicate poor data quality at this position in the gnomAD database. This variant has not been reported in the literature in individuals affected with CHST14-related conditions. ClinVar contains an entry for this variant (Variation ID: 1045341). An algorithm developed to predict the effect of missense changes on protein structure and function outputs the following: PolyPhen-2: "Benign". The valine amino acid residue is found in multiple mammalian species, which suggests that this missense change does not adversely affect protein function. In summary, the available evidence is currently insufficient to determine the role of this variant in disease. Therefore, it has been classified as a Variant of Uncertain Significance.

Ambry Genetics
Classification: Uncertain significance for Cardiovascular phenotype. Last evaluated: 2024-06-26. Review status: criteria provided, single submitter. Criteria: Ambry Variant Classification Scheme 2023. Collection method: clinical testing. Allele origin: germline.

Blueprint Genetics
Classification: Uncertain significance. Last evaluated: 2022-02-18. Review status: criteria provided, single submitter. Criteria: ACMG Guidelines, 2015. Collection method: clinical testing. Allele origin: germline.